The following is an entry in ClinVar:

ClinVar aggregate classification (germline): Uncertain significance (1 of 4 stars; one submission).

Conditions:
Dilated cardiomyopathy 1M (CMD1M). Identifiers: Orphanet 154, MedGen C1843808, MONDO:0011840, OMIM 607482.
Hypertrophic cardiomyopathy 12. Identifiers: MedGen C2677491, MONDO:0012804, OMIM 612124.

Submission:

Labcorp Genetics (formerly Invitae), Labcorp
Classification: Uncertain significance for Hypertrophic cardiomyopathy 12; Dilated cardiomyopathy 1M. Last evaluated: 2025-01-30. Review status: criteria provided, single submitter. Criteria: Invitae Variant Classification Sherloc (09022015). Collection method: clinical testing. Allele origin: germline.
Comment: This sequence change replaces lysine, which is basic and polar, with glutamic acid, which is acidic and polar, at codon 97 of the CSRP3 protein (p.Lys97Glu). This variant is not present in population databases (gnomAD no frequency). This variant has not been reported in the literature in individuals affected with CSRP3-related conditions. An algorithm developed to predict the effect of missense changes on protein structure and function (PolyPhen-2) suggests that this variant is likely to be tolerated. In summary, the available evidence is currently insufficient to determine the role of this variant in disease. Therefore, it has been classified as a Variant of Uncertain Significance.

NM_003476.5(CSRP3):c.289A>G (p.Lys97Glu)

Gene: CSRP3 (cysteine and glycine rich protein 3; minus strand). Cytogenetic location: 11p15.1.
Variant type: single nucleotide variant.
Coding change: c.289A>G on transcript NM_003476.5 (MANE Select); coding-DNA position 289, A replaced by G.
Protein change: p.Lys97Glu; replaces lysine 97 with glutamic acid.
Molecular consequence: missense variant. On other transcripts: synonymous variant (1).
Genome position (GRCh38, 1-based): chr11:19,186,341, T>C on the plus strand (A>G on the coding strand, the complement: CSRP3 is on the minus strand). VCF-style: chr11-19186341-T-C. GRCh37 (hg19) VCF-style: chr11-19207888-T-C.
Other names: c.120A>G, p.Gln40= (NM_001369404.1); short protein forms K97E.
Identifiers: ClinVar variation 3762811 (VCV003762811.2).
Genomic context (GRCh38, chr11:19,186,341, plus strand): 5'-ACTCTCCAAACTTCGCAGTGAATTTGGAAGGGTTGCTGGTGGTAACTGAGCGTGCCGGCT[T>C]TGGGGACCTGTTGGAAATAGACGAATGAATGAAACGTAGATTTCCCTTGGCAAAGAGTAG-3'
Protein context (NP_003467.1, residues 87-107): HLGLQFQQSP[Lys97Glu]PARSVTTSNP